The following is an entry in ClinVar:

NM_001199165.4(CEP112):c.1759C>T (p.Arg587Cys)

Gene: CEP112 (centrosomal protein 112; minus strand). Cytogenetic location: 17q24.1.
Variant type: single nucleotide variant.
Coding change: c.1759C>T on transcript NM_001199165.4 (MANE Select); coding-DNA position 1759, C replaced by T.
Protein change: p.Arg587Cys; replaces arginine 587 with cysteine.
Molecular consequence: missense variant.
Genome position (GRCh38, 1-based): chr17:65,961,576, G>A on the plus strand (C>T on the coding strand, the complement: CEP112 is on the minus strand). VCF-style: chr17-65961576-G-A. GRCh37 (hg19) VCF-style: chr17-63957694-G-A.
Other names: c.1633C>T, p.Arg545Cys (NM_001302891.3, NM_001353128.2); c.1759C>T, p.Arg587Cys (NM_001353127.2); c.1762C>T, p.Arg588Cys (NM_001353129.2); short protein forms R545C, R587C, R588C.
Identifiers: ClinVar variation 3387934 (VCV003387934.14).

ClinVar aggregate classification (germline): Likely benign (1 of 4 stars; one submission).

gnomAD v4.1: 1,451 of 1,612,184 alleles (0.09%); highest among the groups gnomAD compares: South Asian, 0.89%; 15 homozygotes.

Submission:

CeGaT Center for Human Genetics Tuebingen
Classification: Likely benign. Last evaluated: 2024-11-01. Review status: criteria provided, single submitter. Criteria: CeGaT Center For Human Genetics Tuebingen Variant Classification Criteria Version 2. Collection method: clinical testing. Allele origin: germline. Affected: yes. Observed: 1 variant allele.
Comment: CEP112: BP4, BS2